The following is an entry in ClinVar:

ClinVar aggregate classification (germline): Uncertain significance (1 of 4 stars; one submission).

Conditions:
Hereditary cancer-predisposing syndrome. Also called: Neoplastic Syndromes, Hereditary; Tumor predisposition; Hereditary Cancer Syndrome; Hereditary neoplastic syndrome. Identifiers: Orphanet 140162, MedGen C0027672, MeSH D009386, MONDO:0015356.

Submission:

Ambry Genetics
Classification: Uncertain significance for Hereditary cancer-predisposing syndrome. Last evaluated: 2025-09-19. Review status: criteria provided, single submitter. Criteria: Ambry Variant Classification Scheme 2023. Collection method: clinical testing. Allele origin: germline.
Comment: The c.354+3G>T intronic variant results from a G to T substitution 3 nucleotides after coding exon 2 in the CDK4 gene. This nucleotide position is not well conserved in available vertebrate species. In silico splice site analysis predicts that this alteration will not have any significant effect on splicing. Since supporting evidence is limited at this time, the clinical significance of this alteration remains unclear.

NM_000075.4(CDK4):c.354+3G>T

Gene: CDK4 (cyclin dependent kinase 4; minus strand). Cytogenetic location: 12q14.1.
Variant type: single nucleotide variant.
Coding change: c.354+3G>T on transcript NM_000075.4 (MANE Select); 3 bases into the intron after coding-DNA position 354, G replaced by T.
Molecular consequence: intron variant.
Genome position (GRCh38, 1-based): chr12:57,751,204, C>A on the plus strand (G>T on the coding strand, the complement: CDK4 is on the minus strand). VCF-style: chr12-57751204-C-A. GRCh37 (hg19) VCF-style: chr12-58144987-C-A.
Identifiers: ClinVar variation 1732461 (VCV001732461.3), dbSNP rs746395249, ClinGen allele CA2580086656.
Genomic context (GRCh38, chr12:57,751,204, plus strand): 5'-ATCCCAGAAGGTTCTACTACAAAGGTCCCAATCCACCTCTCAATGCCTACCAACCCCACT[C>A]ACCTTGATCGTTTCGGCTGGCAAGCCTGGTGGGGGTGCCTTGTCCAGATATGTCCTTAGG-3'